The following is an entry in ClinVar:

ClinVar aggregate classification (germline): Uncertain significance. Review status: criteria provided, multiple submitters, no conflicts (2 of 4 stars). 3 submissions from 3 submitters: Uncertain significance (3). Last evaluated 2025-03-18.

Conditions:
Cardiovascular phenotype. Identifiers: MedGen CN230736.

gnomAD v4.1: 1 of 1,588,908 alleles (0.000063%); highest among the groups gnomAD compares: Non-Finnish European, 0.000086%; no homozygotes.

Submissions (3):

GeneDx
Classification: Uncertain significance. Last evaluated: 2025-03-18. Review status: criteria provided, single submitter. Criteria: GeneDx Variant Classification Process June 2021. Collection method: clinical testing. Allele origin: germline. Affected: yes.
Comment: Not observed at significant frequency in large population cohorts (gnomAD); In silico analysis supports that this missense variant has a deleterious effect on protein structure/function; Has not been previously published as pathogenic or benign to our knowledge; Not located in one of the three hot-spot regions of the RYR2 gene, where the majority of pathogenic missense variants occur (PMID: 19926015); This variant is associated with the following publications: (PMID: 19926015)

Ambry Genetics
Classification: Uncertain significance for Cardiovascular phenotype. Last evaluated: 2023-05-15. Review status: criteria provided, single submitter. Criteria: Ambry Variant Classification Scheme 2023. Collection method: clinical testing. Allele origin: germline.
Comment: The p.C24G variant (also known as c.70T>G), located in coding exon 2 of the RYR2 gene, results from a T to G substitution at nucleotide position 70. The cysteine at codon 24 is replaced by glycine, an amino acid with highly dissimilar properties. This amino acid position is highly conserved in available vertebrate species. In addition, this alteration is predicted to be deleterious by in silico analysis. Since supporting evidence is limited at this time, the clinical significance of this alteration remains unclear.

AiLife Diagnostics
Classification: Uncertain significance. Last evaluated: 2021-11-05. Review status: criteria provided, single submitter. Criteria: ACMG Guidelines, 2015. Collection method: clinical testing. Allele origin: germline. Affected: yes. Observed: 1 variant allele.

NM_001035.3(RYR2):c.70T>G (p.Cys24Gly)

Gene: RYR2 (ryanodine receptor 2; plus strand). Cytogenetic location: 1q43.
Variant type: single nucleotide variant.
Coding change: c.70T>G on transcript NM_001035.3 (MANE Select); coding-DNA position 70, T replaced by G.
Protein change: p.Cys24Gly; replaces cysteine 24 with glycine.
Molecular consequence: missense variant.
Genome position (GRCh38, 1-based): chr1:237,270,518, T>G. VCF-style: chr1-237270518-T-G. GRCh37 (hg19) VCF-style: chr1-237433818-T-G.
Other names: c.70T>G (NM_001035.2); short protein forms C24G.
Identifiers: ClinVar variation 1677614 (VCV001677614.4), dbSNP rs1266360671, ClinGen allele CA345654302.